The following is an entry in ClinVar:

NM_000321.3(RB1):c.637G>T (p.Val213Leu)

Gene: RB1 (RB transcriptional corepressor 1; plus strand). Cytogenetic location: 13q14.2.
Variant type: single nucleotide variant.
Coding change: c.637G>T on transcript NM_000321.3 (MANE Select); coding-DNA position 637, G replaced by T.
Protein change: p.Val213Leu; replaces valine 213 with leucine.
Molecular consequence: missense variant.
Genome position (GRCh38, 1-based): chr13:48,360,046, G>T. VCF-style: chr13-48360046-G-T. GRCh37 (hg19) VCF-style: chr13-48934182-G-T.
Other names: c.637G>T, p.Val213Leu (NM_001407165.1, NM_001407166.1); short protein forms V213L.
Identifiers: ClinVar variation 2812230 (VCV002812230.4), dbSNP rs1267000381, ClinGen allele CA388158212.
Genomic context (GRCh38, chr13:48,360,046, plus strand): 5'-CTTTCTTTAAAAATGTACATTTTTTTTTCAGGGGAAGTATTACAAATGGAAGATGATCTG[G>T]TGATTTCATTTCAGTTAATGCTATGTGTCCTTGACTATTTTATTAAACTCTCACCTCCCA-3'
Protein context (NP_000312.2, residues 203-223): GEVLQMEDDL[Val213Leu]ISFQLMLCVL

ClinVar aggregate classification (germline): Uncertain significance. Review status: criteria provided, multiple submitters, no conflicts (2 of 4 stars). 2 submissions from 2 submitters: Uncertain significance (2). Last evaluated 2026-06-18.

Conditions:
Retinoblastoma (RB1). Also called: RETINOBLASTOMA, SOMATIC. Identifiers: Orphanet 790, MedGen C0035335, MeSH D012175, MONDO:0008380, OMIM 180200, HP:0009919. Disease mechanism: loss of function. Inheritance: Both sporadic and heritable forms are tested..
Hereditary cancer-predisposing syndrome. Also called: Hereditary Cancer Syndrome; Hereditary neoplastic syndrome; Neoplastic Syndromes, Hereditary; Tumor predisposition. Identifiers: Orphanet 140162, MedGen C0027672, MeSH D009386, MONDO:0015356.

Submissions (2):

Ambry Genetics
Classification: Uncertain significance for Hereditary cancer-predisposing syndrome. Last evaluated: 2026-06-18. Review status: criteria provided, single submitter. Criteria: Ambry Variant Classification Scheme 2023. Collection method: clinical testing. Allele origin: germline.
Comment: The p.V213L variant (also known as c.637G>T), located in coding exon 7 of the RB1 gene, results from a G to T substitution at nucleotide position 637. The valine at codon 213 is replaced by leucine, an amino acid with highly similar properties. This amino acid position is conserved. In addition, this alteration is predicted to be deleterious by in silico analysis. Based on the available evidence, the clinical significance of this variant remains unclear.

Labcorp Genetics (formerly Invitae), Labcorp
Classification: Uncertain significance for Retinoblastoma. Last evaluated: 2022-11-05. Review status: criteria provided, single submitter. Criteria: Invitae Variant Classification Sherloc (09022015). Collection method: clinical testing. Allele origin: germline.
Comment: In summary, the available evidence is currently insufficient to determine the role of this variant in disease. Therefore, it has been classified as a Variant of Uncertain Significance. Advanced modeling of protein sequence and biophysical properties (such as structural, functional, and spatial information, amino acid conservation, physicochemical variation, residue mobility, and thermodynamic stability) performed at Invitae indicates that this missense variant is not expected to disrupt RB1 protein function. This variant has not been reported in the literature in individuals affected with RB1-related conditions. This variant is not present in population databases (gnomAD no frequency). This sequence change replaces valine, which is neutral and non-polar, with leucine, which is neutral and non-polar, at codon 213 of the RB1 protein (p.Val213Leu).